The following is an entry in ClinVar:

ClinVar aggregate classification (germline): Uncertain significance (1 of 4 stars; one submission).

Conditions:
Inborn genetic diseases. Identifiers: MedGen C0950123, MeSH D030342.

Submission:

Ambry Genetics
Classification: Uncertain significance for Inborn genetic diseases. Last evaluated: 2023-09-21. Review status: criteria provided, single submitter. Criteria: Ambry Variant Classification Scheme 2023. Collection method: clinical testing. Allele origin: germline.
Comment: The p.A34P variant (also known as c.100G>C), located in coding exon 2 of the ERCC2 gene, results from a G to C substitution at nucleotide position 100. The alanine at codon 34 is replaced by proline, an amino acid with highly similar properties. This amino acid position is conserved. In addition, this alteration is predicted to be deleterious by in silico analysis. Since supporting evidence is limited at this time, the clinical significance of this alteration remains unclear.

NM_000400.4(ERCC2):c.100G>C (p.Ala34Pro)

Gene: ERCC2 (ERCC excision repair 2, TFIIH core complex helicase subunit; minus strand). Cytogenetic location: 19q13.32.
Variant type: single nucleotide variant.
Coding change: c.100G>C on transcript NM_000400.4 (MANE Select); coding-DNA position 100, G replaced by C.
Protein change: p.Ala34Pro; replaces alanine 34 with proline.
Molecular consequence: missense variant.
Genome position (GRCh38, 1-based): chr19:45,370,138, C>G on the plus strand (G>C on the coding strand, the complement: ERCC2 is on the minus strand). VCF-style: chr19-45370138-C-G. GRCh37 (hg19) VCF-style: chr19-45873396-C-G.
Other names: c.28G>C, p.Ala10Pro (NM_001130867.2); short protein forms A10P, A34P.
Identifiers: ClinVar variation 3231610 (VCV003231610.1), dbSNP rs768632615, ClinGen allele CA406379849.